The following is an entry in ClinVar:

NC_000006.11:g.(?_157405776)_(157431715_?)dup

Gene: ARID1B (AT-rich interaction domain 1B; plus strand). Cytogenetic location: 6q25.3.
Variant type: Duplication.
Identifiers: ClinVar variation 3246236 (VCV003246236.1).

ClinVar aggregate classification (germline): Likely pathogenic (1 of 4 stars; one submission).

Submission:

Labcorp Genetics (formerly Invitae), Labcorp
Classification: Likely pathogenic. Last evaluated: 2022-12-22. Review status: criteria provided, single submitter. Criteria: Invitae Variant Classification Sherloc (09022015). Collection method: clinical testing. Allele origin: unknown.
Comment: In summary, the currently available evidence indicates that the variant is pathogenic, but additional data are needed to prove that conclusively. Therefore, this variant has been classified as Likely Pathogenic. This variant has not been reported in the literature in individuals affected with ARID1B-related conditions. This variant results in a copy number gain of the genomic region encompassing exon(s) 6-7 of the ARID1B gene. While the exact position of this variant cannot be determined from the data, sub-genic copy number gains are generally in tandem (PMID: 25640679). This variant is predicted to be out-of-frame, and may result in an absent or disrupted protein product. Loss-of-function variants in ARID1B are known to be pathogenic (PMID: 25674384, 30349098).

Literature cited by the submitters: PubMed 25640679; PubMed 25674384; PubMed 30349098.